The following is an entry in ClinVar:

ClinVar aggregate classification (germline): Uncertain significance (1 of 4 stars; one submission).

Conditions:
Immunodeficiency 36 with lymphoproliferation. Also called: ACTIVATED PI3K-DELTA SYNDROME 2; Activated PI3K Delta Syndrome Type 2 (APDS2); Immunodeficiency 36. Identifiers: Orphanet 397596, Orphanet 693681, MedGen C4014934, MONDO:0014453, OMIM 616005.
Agammaglobulinemia 7, autosomal recessive (AGM7). Also called: AGAMMAGLOBULINEMIA, AUTOSOMAL RECESSIVE, DUE TO PIK3R1 DEFECT. Identifiers: MedGen C3554689, MONDO:0014083, OMIM 615214.
SHORT syndrome. Also called: SHORT STATURE, HYPEREXTENSIBILITY, HERNIA, OCULAR DEPRESSION, RIEGER ANOMALY, AND TEETHING DELAY; PIK3R1-Related SHORT Syndrome; LIPODYSTROPHY, PARTIAL, WITH RIEGER ANOMALY AND SHORT STATURE. Identifiers: Orphanet 3163, MedGen C0878684, MONDO:0010026, OMIM 269880.

Allele frequency attached by ClinVar (database versions not stated): gnomAD exomes below 0.00001.
gnomAD v4.1: 1 of 1,613,804 alleles (0.000062%); highest among the groups gnomAD compares: Non-Finnish European, 0.000085%; no homozygotes.

Submission:

Labcorp Genetics (formerly Invitae), Labcorp
Classification: Uncertain significance for SHORT syndrome; Immunodeficiency 36 with lymphoproliferation; Agammaglobulinemia 7, autosomal recessive. Last evaluated: 2020-08-06. Review status: criteria provided, single submitter. Criteria: Invitae Variant Classification Sherloc (09022015). Collection method: clinical testing. Allele origin: germline.
Comment: This variant is not present in population databases (ExAC no frequency). In summary, the available evidence is currently insufficient to determine the role of this variant in disease. Therefore, it has been classified as a Variant of Uncertain Significance. Algorithms developed to predict the effect of missense changes on protein structure and function (SIFT, PolyPhen-2, Align-GVGD) all suggest that this variant is likely to be tolerated, but these predictions have not been confirmed by published functional studies and their clinical significance is uncertain. This variant has not been reported in the literature in individuals with PIK3R1-related conditions. This sequence change replaces asparagine with serine at codon 320 of the PIK3R1 protein (p.Asn320Ser). The asparagine residue is moderately conserved and there is a small physicochemical difference between asparagine and serine.

NM_181523.3(PIK3R1):c.959A>G (p.Asn320Ser)

Gene: PIK3R1 (phosphoinositide-3-kinase regulatory subunit 1; plus strand). Cytogenetic location: 5q13.1.
Variant type: single nucleotide variant.
Coding change: c.959A>G on transcript NM_181523.3 (MANE Select); coding-DNA position 959, A replaced by G.
Protein change: p.Asn320Ser; replaces asparagine 320 with serine.
Molecular consequence: missense variant.
Genome position (GRCh38, 1-based): chr5:68,292,301, A>G. VCF-style: chr5-68292301-A-G. GRCh37 (hg19) VCF-style: chr5-67588129-A-G.
Other names: c.149A>G, p.Asn50Ser (NM_181504.4); c.59A>G, p.Asn20Ser (NM_181524.2); short protein forms N20S, N320S, N50S.
Identifiers: ClinVar variation 1026492 (VCV001026492.9), dbSNP rs1747439245, ClinGen allele CA359878259.